The following continues an entry in ClinVar:

NM_000535.7(PMS2):c.1261C>T (p.Arg421Ter)

Gene: PMS2. ClinVar aggregate classification (germline): Pathogenic. Pathogenic (1).

Submissions 11 to 18 of 18:

Women's Health and Genetics/Laboratory Corporation of America, LabCorp
Classification: Pathogenic for Hereditary nonpolyposis colon cancer. Last evaluated: 2023-08-04. Review status: criteria provided, single submitter. Criteria: LabCorp Variant Classification Summary - May 2015. Collection method: clinical testing. Allele origin: germline. Not counted in ClinVar's aggregate classification.
Comment: Variant summary: PMS2 c.1261C>T (p.Arg421X) results in a premature termination codon, predicted to cause a truncation of the encoded protein or absence of the protein due to nonsense mediated decay, which are commonly known mechanisms for disease. Variants downstream of this position have been classified as pathogenic by our laboratory. The variant was absent in 251060 control chromosomes. c.1261C>T has been reported in the literature in individuals with suspected Hereditary Nonpolyposis Colorectal Cancer (e.g. Vaughn_2013, Suerink_2016). It has also been reported by different studies in a number of individuals affected with breast cancer (e.g. Roberts_2018, Tsaousis_2019, Fostira_2020), with one of the studies concluding that pathogenic variants in the PMS2 gene are associated with an increased risk for breast cancer following retrospective review of patient data (Roberts_2018). These data indicate that the variant is very likely to be associated with disease. To our knowledge, no experimental evidence demonstrating an impact on protein function has been reported. The following publications have been ascertained in the context of this evaluation (PMID: 23012243, 29345684, 26110232, 31159747, 31300551). Seven submitters have cited clinical-significance assessments for this variant to ClinVar after 2014. All submitters classified the variant as pathogenic/likely pathogenic. Based on the evidence outlined above, the variant was classified as pathogenic.

Baylor Genetics
Classification: Pathogenic for Lynch syndrome 4. Last evaluated: 2023-05-18. Review status: criteria provided, single submitter. Criteria: ACMG Guidelines, 2015. Collection method: clinical testing. Allele origin: unknown. Not counted in ClinVar's aggregate classification.

Quest Diagnostics Nichols Institute San Juan Capistrano
Classification: Pathogenic. Last evaluated: 2022-07-01. Review status: criteria provided, single submitter. Criteria: Quest Diagnostics criteria. Collection method: clinical testing. Allele origin: unknown. Not counted in ClinVar's aggregate classification.
Comment: This nonsense variant causes the premature termination of PMS2 protein synthesis. The frequency of this variant in the general population, 0.0000066 (1/152196 chromosomes), is consistent with pathogenicity. In the published literature, the variant has been reported in individuals with breast and/or ovarian cancer (PMID: 31300551 (2020), 31159747 (2019), 29345684 (2018)), and Lynch syndrome (PMID: 26110232 (2016), 23012243 (2013)). Based on the available information, this variant is classified as pathogenic.

GeneKor MSA
Classification: Pathogenic for Hereditary cancer-predisposing syndrome. Last evaluated: 2020-01-01. Review status: criteria provided, single submitter. Criteria: ACMG Guidelines, 2015. Collection method: clinical testing. Allele origin: germline. Affected: yes. Not counted in ClinVar's aggregate classification.
Comment: This is a point mutation replacing one nucleotide in the position 1261 of the PMS2 gene, leading in the replacement of Arginine with a termination stop codon in the position 421 of the PMS2 protein. The resulting protein is truncated and non functional. This particular variant has been described in international literature in families with colorectal cancer and/or Lynch syndrome (PMID: 23012243, PMID: 26110232). The mutation database ClinVar contains an entry for this variant (Variation ID: 91299).

Laboratory for Molecular Medicine, Mass General Brigham Personalized Medicine
Classification: Pathogenic for Lynch syndrome. Last evaluated: 2016-03-03. Review status: criteria provided, single submitter. Criteria: LMM Criteria. Collection method: clinical testing. Allele origin: germline. Inheritance: Autosomal dominant inheritance. Observed: 1 variant allele. Not counted in ClinVar's aggregate classification.
Comment: The p.Arg421X variant in PMS2 has been reported in one carrier with unspecified phenotype (Suerink 2015), and was absent from large population studies. This non sense variant leads to a premature termination codon at position 421, which is p redicted to lead to a truncated or absent protein. Heterozygous loss of function of the PMS2 gene is an established disease mechanism in Lynch syndrome. In summ ary, this variant meets our criteria to be classified as pathogenic for Lynch sy ndrome in an autosomal dominant manner based upon the predicted impact to the pr otein.

Bioscientia Institut fuer Medizinische Diagnostik GmbH, Sonic Healthcare
Classification: Likely pathogenic for Lynch syndrome 4. Last evaluated: 2018-09-27. Review status: no assertion criteria provided. Collection method: clinical testing. Allele origin: germline. Affected: yes. Not counted in ClinVar's aggregate classification.

ITMI
No classification provided. Condition: AllHighlyPenetrant. Last evaluated: 2013-09-19. Review status: no classification provided. Collection method: reference population. Allele origin: germline. Not counted in ClinVar's aggregate classification.
Comment: Please see associated publication for description of ethnicities

Department of Pathology and Laboratory Medicine, Sinai Health System
Classification: Pathogenic for Endometrial carcinoma. Review status: no assertion criteria provided. Collection method: clinical testing. Allele origin: unknown. Affected: yes. Study: The Canadian Open Genetics Repository (COGR). Not counted in ClinVar's aggregate classification.
Comment: The p.ARG421X variant was identified as a nonsense mutation in the paper by Topp (2014). The variant was also identified in COSMIC in large intestine tissue and InSiGHT Colon Cancer databases. In ClinVar the variant was classified as pathogenic by InSiGHT. This residue is not conserved in mammals and computational analyses (PolyPhen2, SIFT, AlignGVGD, BLOSUM) have not provided predictions regarding the impact to the protein. In summary, based on the above information this variant meets our laboratory's criteria to be classified as pathogenic.

Literature cited by the submitters: PubMed 23012243 (cited by 6 submitters); PubMed 26110232 (cited by 8 submitters); PubMed 31992580 (cited by Color Diagnostics, LLC DBA Color Health and Mayo Clinic Laboratories, Mayo Clinic); PubMed 35988656 (cited by Color Diagnostics, LLC DBA Color Health and Mayo Clinic Laboratories, Mayo Clinic); PubMed 21376568 (cited by Labcorp Genetics (formerly Invitae), Labcorp); PubMed 24362816 (cited by Labcorp Genetics (formerly Invitae), Labcorp); PubMed 28912153 (cited by Ambry Genetics); PubMed 29345684 (cited by 3 submitters); PubMed 31159747 (cited by 3 submitters); PubMed 31300551 (cited by 3 submitters); PubMed 24728327 (cited by Quest Diagnostics Nichols Institute San Juan Capistrano and ITMI).